The following is an entry in ClinVar:

NM_000091.5(COL4A3):c.3325C>T (p.Pro1109Ser)

Genes: COL4A3 (collagen type IV alpha 3 chain; plus strand), MFF-DT (MFF divergent transcript; minus strand). Cytogenetic location: 2q36.3.
Variant type: single nucleotide variant.
Coding change: c.3325C>T on transcript NM_000091.5 (MANE Select); coding-DNA position 3325, C replaced by T.
Protein change: p.Pro1109Ser; replaces proline 1109 with serine.
Molecular consequence: missense variant.
Genome position (GRCh38, 1-based): chr2:227,293,305, C>T. VCF-style: chr2-227293305-C-T. GRCh37 (hg19) VCF-style: chr2-228158021-C-T.
Other names: c.3325C>T (NM_000091.3); short protein forms P1109S.
Identifiers: ClinVar variation 254993 (VCV000254993.62), dbSNP rs55816283, ClinGen allele CA2147181.

ClinVar aggregate classification (germline): Conflicting classifications of pathogenicity. Review status: criteria provided, conflicting classifications (1 of 4 stars). 12 submissions from 12 submitters: Uncertain significance (1); Benign (6); Likely benign (2). 3 of the submissions do not count toward it. Last evaluated 2026-08-01.

Conditions:
COL4A3-related disorder. Also called: COL4A3-related condition; COL4A3-Related Disorders.
Kidney disorder. Also called: Kidney disease; Kidney Diseases; renal disorder; renal disease; Nephropathy. Identifiers: MedGen C0022658, MONDO:0005240, HP:0000112.
Alport syndrome. Also called: Hemorrhagic familial nephritis; Hemorrhagic hereditary nephritis; Congenital hereditary hematuria. Identifiers: Orphanet 63, MedGen C1567741, MONDO:0018965.

Allele frequency attached by ClinVar (database versions not stated): 1000 Genomes Project 30x 0.00312; 1000 Genomes Project 0.00319; gnomAD 0.00412 and 0.00413; TOPMed 0.00419; ExAC 0.00424; gnomAD exomes 0.00430 and 0.00624; ESP Exome Variant Server 0.00540.
gnomAD v4.1: 9,701 of 1,613,784 alleles (0.6%); highest among the groups gnomAD compares: Non-Finnish European, 0.69%; 48 homozygotes.

Submissions (12):

CeGaT Center for Human Genetics Tuebingen
Classification: Likely benign. Last evaluated: 2026-08-01. Review status: criteria provided, single submitter. Criteria: CeGaT Center For Human Genetics Tuebingen Variant Classification Criteria Version 2. Collection method: clinical testing. Allele origin: germline. Affected: yes. Observed: 12 variant alleles.
Comment: COL4A3: BS2

Labcorp Genetics (formerly Invitae), Labcorp
Classification: Benign. Last evaluated: 2026-02-04. Review status: criteria provided, single submitter. Criteria: Invitae Variant Classification Sherloc (09022015). Collection method: clinical testing. Allele origin: germline.

Athena Diagnostics
Classification: Benign. Last evaluated: 2024-11-20. Review status: criteria provided, single submitter. Criteria: Athena Diagnostics Criteria. Collection method: clinical testing. Allele origin: unknown.

Women's Health and Genetics/Laboratory Corporation of America, LabCorp
Classification: Benign. Last evaluated: 2022-10-08. Review status: criteria provided, single submitter. Criteria: LabCorp Variant Classification Summary - May 2015. Collection method: clinical testing. Allele origin: germline.
Comment: Variant summary: COL4A3 c.3325C>T (p.Pro1109Ser) results in a non-conservative amino acid change located in the Collagen triple helix repeat (IPR008160) of the encoded protein sequence. Four of five in-silico tools predict a damaging effect of the variant on protein function. The variant allele was found at a frequency of 0.0042 in 280758 control chromosomes with 7 homozygotes (gnomAD), occuring predominantly at a frequency of 0.0057 within the Non-Finnish European subpopulation in the gnomAD database with 3 homozygotes. The observed variant frequency within Non-Finnish European control individuals in the gnomAD database is approximately 3 fold of the estimated maximal expected allele frequency for a pathogenic variant in COL4A3 causing Alport Syndrome, Autosomal Recessive (0.0019), strongly suggesting that the variant is a benign polymorphism found primarily in populations of Non-Finnish European origin. c.3325C>T has been reported in the literature in individuals affected with Kidney Disorders (Longo_2002, Wang_2004, Papazachariou_2014, Kovacs_2016), often times reported as a polymorphism due to its heterozygosity index (Wang_2004), high mean allele frequency (Papazachariou_2014), or other variants being causitive of disease (Kovacs_2016). These reports suggest the variant is not likely to be associated with Alport Syndrome, Autosomal Recessive. To our knowledge, no experimental evidence demonstrating an impact on protein function has been reported. Five ClinVar submitters have assessed the variant since 2014: one classified the variant as uncertain significance, one as likely benign, and three as benign. Based on the evidence outlined above, the variant was classified as benign.

Mayo Clinic Laboratories, Mayo Clinic
Classification: Benign. Last evaluated: 2021-05-20. Review status: criteria provided, single submitter. Criteria: ACMG Guidelines, 2015. Collection method: clinical testing. Allele origin: germline. Observed: 4 variant alleles.

Genome Diagnostics Laboratory, The Hospital for Sick Children
Classification: Benign for Kidney disorder. Last evaluated: 2019-04-01. Review status: criteria provided, single submitter. Criteria: ACMG Guidelines, 2015. Collection method: clinical testing. Allele origin: germline.

GeneDx
Classification: Benign. Last evaluated: 2019-02-19. Review status: criteria provided, single submitter. Criteria: GeneDx Variant Classification Process June 2021. Collection method: clinical testing. Allele origin: germline. Affected: yes.
Comment: This variant is associated with the following publications: (PMID: 14871398, 12028435, 17216251, 29981437)

Illumina Laboratory Services, Illumina
Classification: Uncertain significance for Alport syndrome. Last evaluated: 2017-04-27. Review status: criteria provided, single submitter. Criteria: ICSL Variant Classification Criteria 13 December 2019. Collection method: clinical testing. Allele origin: germline.

Laboratory for Molecular Medicine, Mass General Brigham Personalized Medicine
Classification: Likely benign. Last evaluated: 2016-03-21. Review status: criteria provided, single submitter. Criteria: LMM Criteria. Collection method: clinical testing. Allele origin: germline. Observed: 1 variant allele.
Comment: p.Pro1109Ser in exon 38 of COL4A3: This variant is not expected to have clinical significance because it has been identified in 0.56% (376/66566) of European ch romosomes by the Exome Aggregation Consortium (ExAC. org; dbSNP rs55816283).

PreventionGenetics, part of Exact Sciences
Classification: Benign for COL4A3-related condition. Last evaluated: 2019-07-31. Review status: no assertion criteria provided. Collection method: clinical testing. Allele origin: germline. Not counted in ClinVar's aggregate classification.
Comment: This variant is classified as benign based on ACMG/AMP sequence variant interpretation guidelines (Richards et al. 2015 PMID: 25741868, with internal and published modifications).

Genome Diagnostics Laboratory, University Medical Center Utrecht
Classification: Benign. Review status: no assertion criteria provided. Collection method: clinical testing. Allele origin: germline. Affected: yes. Study: VKGL Data-share Consensus. Not counted in ClinVar's aggregate classification.

Joint Genome Diagnostic Labs from Nijmegen and Maastricht, Radboudumc and MUMC+
Classification: Likely benign. Review status: no assertion criteria provided. Collection method: clinical testing. Allele origin: germline. Affected: yes. Study: VKGL Data-share Consensus. Not counted in ClinVar's aggregate classification.

Literature cited by the submitters: PubMed 25514610 (cited by Athena Diagnostics and Women's Health and Genetics/Laboratory Corporation of America, LabCorp); PubMed 17216251 (cited by Athena Diagnostics); PubMed 26740551 (cited by Athena Diagnostics); PubMed 12028435 (cited by Athena Diagnostics and Women's Health and Genetics/Laboratory Corporation of America, LabCorp); PubMed 14871398 (cited by Athena Diagnostics and Women's Health and Genetics/Laboratory Corporation of America, LabCorp); PubMed 38357258 (cited by Athena Diagnostics); PubMed 27461219 (cited by Athena Diagnostics); PubMed 29981437 (cited by Athena Diagnostics); PubMed 26934356 (cited by Women's Health and Genetics/Laboratory Corporation of America, LabCorp).